The following is an entry in ClinVar:

NM_021975.4(RELA):c.1261G>C (p.Val421Leu)

Gene: RELA (RELA proto-oncogene, NF-kB subunit; minus strand). Cytogenetic location: 11q13.1.
Variant type: single nucleotide variant.
Coding change: c.1261G>C on transcript NM_021975.4 (MANE Select); coding-DNA position 1261, G replaced by C.
Protein change: p.Val421Leu; replaces valine 421 with leucine.
Molecular consequence: missense variant. On other transcripts: intron variant (1).
Genome position (GRCh38, 1-based): chr11:65,654,773, C>G on the plus strand (G>C on the coding strand, the complement: RELA is on the minus strand). VCF-style: chr11-65654773-C-G. GRCh37 (hg19) VCF-style: chr11-65422244-C-G.
Other names: c.1261G>C (NM_021975.3); c.1252G>C, p.Val418Leu (NM_001145138.2); c.1054G>C, p.Val352Leu (NM_001243984.2); c.1215+46G>C (NM_001243985.2); short protein forms V421L, V418L, V352L.
Identifiers: ClinVar variation 1514107 (VCV001514107.8), dbSNP rs1287948980, ClinGen allele CA381387546.

ClinVar aggregate classification (germline): Uncertain significance. Review status: criteria provided, multiple submitters, no conflicts (2 of 4 stars). 3 submissions from 3 submitters: Uncertain significance (3). Last evaluated 2025-11-25.

Conditions:
RELA-related disorder. Also called: RELA-related condition.

Allele frequency attached by ClinVar (database versions not stated): gnomAD exomes below 0.00001 and 0.00002; gnomAD 0.00002 and 0.00004; TOPMed 0.00002.

Submissions (3):

Labcorp Genetics (formerly Invitae), Labcorp
Classification: Uncertain significance. Last evaluated: 2025-11-25. Review status: criteria provided, single submitter. Criteria: Invitae Variant Classification Sherloc (09022015). Collection method: clinical testing. Allele origin: germline.
Comment: This sequence change replaces valine, which is neutral and non-polar, with leucine, which is neutral and non-polar, at codon 421 of the RELA protein (p.Val421Leu). The frequency data for this variant in the population databases is considered unreliable, as metrics indicate poor data quality at this position in the gnomAD database. This variant has not been reported in the literature in individuals affected with RELA-related conditions. ClinVar contains an entry for this variant (Variation ID: 1514107). An algorithm developed to predict the effect of missense changes on protein structure and function outputs the following: PolyPhen-2: "Benign". The leucine amino acid residue is found in multiple mammalian species, which suggests that this missense change does not adversely affect protein function. In summary, the available evidence is currently insufficient to determine the role of this variant in disease. Therefore, it has been classified as a Variant of Uncertain Significance.

PreventionGenetics, part of Exact Sciences
Classification: Uncertain significance for RELA-related condition. Last evaluated: 2024-12-10. Review status: criteria provided, single submitter. Criteria: ACMG Guidelines, 2015. Collection method: clinical testing. Allele origin: germline.
Comment: The RELA c.1261G>C variant is predicted to result in the amino acid substitution p.Val421Leu. To our knowledge, this variant has not been reported in the literature. This variant is reported in 0.011% of alleles in individuals of Latino descent in gnomAD. At this time, the clinical significance of this variant is uncertain due to the absence of conclusive functional and genetic evidence.

Ambry Genetics
Classification: Uncertain significance. Last evaluated: 2024-04-04. Review status: criteria provided, single submitter. Criteria: Ambry Variant Classification Scheme 2023. Collection method: clinical testing. Allele origin: germline.